The following is an entry in ClinVar:

ClinVar aggregate classification (germline): Uncertain significance (1 of 4 stars; one submission).

Conditions:
Norman-Roberts syndrome (LIS2). Also called: Lissencephaly 2 (Norman-Roberts type). Identifiers: Orphanet 89844, MedGen C0796089, MONDO:0009760, OMIM 257320.
Familial temporal lobe epilepsy 7. Identifiers: Orphanet 101046, MedGen C4225327, MONDO:0014639, OMIM 616436.

Allele frequency attached by ClinVar (database versions not stated): gnomAD exomes below 0.00001.
gnomAD v4.1: 1 of 1,612,318 alleles (0.000062%); highest among the groups gnomAD compares: Non-Finnish European, 0.000085%; no homozygotes.

Submission:

Labcorp Genetics (formerly Invitae), Labcorp
Classification: Uncertain significance for Familial temporal lobe epilepsy 7; Norman-Roberts syndrome. Last evaluated: 2024-10-30. Review status: criteria provided, single submitter. Criteria: Invitae Variant Classification Sherloc (09022015). Collection method: clinical testing. Allele origin: germline.
Comment: This sequence change replaces asparagine, which is neutral and polar, with aspartic acid, which is acidic and polar, at codon 289 of the RELN protein (p.Asn289Asp). This variant is not present in population databases (gnomAD no frequency). This variant has not been reported in the literature in individuals affected with RELN-related conditions. ClinVar contains an entry for this variant (Variation ID: 1448221). Invitae Evidence Modeling of protein sequence and biophysical properties (such as structural, functional, and spatial information, amino acid conservation, physicochemical variation, residue mobility, and thermodynamic stability) indicates that this missense variant is not expected to disrupt RELN protein function with a negative predictive value of 80%. In summary, the available evidence is currently insufficient to determine the role of this variant in disease. Therefore, it has been classified as a Variant of Uncertain Significance.

NM_005045.4(RELN):c.865A>G (p.Asn289Asp)

Gene: RELN (reelin; minus strand). Cytogenetic location: 7q22.1.
Variant type: single nucleotide variant.
Coding change: c.865A>G on transcript NM_005045.4 (MANE Select); coding-DNA position 865, A replaced by G.
Protein change: p.Asn289Asp; replaces asparagine 289 with aspartic acid.
Molecular consequence: missense variant.
Genome position (GRCh38, 1-based): chr7:103,700,947, T>C on the plus strand (A>G on the coding strand, the complement: RELN is on the minus strand). VCF-style: chr7-103700947-T-C. GRCh37 (hg19) VCF-style: chr7-103341394-T-C.
Other names: c.865A>G, p.Asn289Asp (NM_173054.3); short protein forms N289D.
Identifiers: ClinVar variation 1448221 (VCV001448221.8), dbSNP rs1562962642, ClinGen allele CA368928020.
Genomic context (GRCh38, chr7:103,700,947, plus strand): 5'-AAATACTTTAAATTACAACAAACCTAATTTTCTCTAGCTGAATCCAGTCCGCAGAGTTAT[T>C]CTTGGCATATAACACGATGATGCTGGGGTCTGAATAACTAAAGCGACATGAACCTGACCC-3'
Protein context (NP_005036.2, residues 279-299): DPSIIVLYAK[Asn289Asp]NSADWIQLEK